The following is an entry in ClinVar:

NM_001271.4(CHD2):c.5035C>T (p.Arg1679Ter)

Gene: CHD2 (chromodomain helicase DNA binding protein 2; plus strand). Cytogenetic location: 15q26.1.
Variant type: single nucleotide variant.
Coding change: c.5035C>T on transcript NM_001271.4 (MANE Select); coding-DNA position 5035, C replaced by T.
Protein change: p.Arg1679Ter; replaces arginine 1679 with a stop codon.
Molecular consequence: nonsense.
Genome position (GRCh38, 1-based): chr15:93,020,140, C>T. VCF-style: chr15-93020140-C-T. GRCh37 (hg19) VCF-style: chr15-93563370-C-T.
Other names: short protein forms R1679*.
Identifiers: ClinVar variation 208725 (VCV000208725.47), dbSNP rs797044912, ClinGen allele CA204765.
Genomic context (GRCh38, chr15:93,020,140, plus strand): 5'-AGCGACAGGCACCATCAGTATGAGCAGCACTGGTACAAGGACCACCATTATGGGGACCGG[C>T]GACATATGGATGCCCACCGTTCCGGAAGCTATCGACCCAACAACATGTCCAGAAAGAGGC-3'

ClinVar aggregate classification (germline): Pathogenic. Review status: criteria provided, multiple submitters, no conflicts (2 of 4 stars). 6 submissions from 6 submitters: Pathogenic (6). Last evaluated 2025-02-07.

Conditions:
Inborn genetic diseases. Identifiers: MedGen C0950123, MeSH D030342.
Developmental and epileptic encephalopathy 94 (DEE94). Also called: Epileptic encephalopathy, childhood-onset; CHD2-Related Neurodevelopmental Disorders. Identifiers: Orphanet 1942, Orphanet 2382, MedGen C3809278, MONDO:0014150, OMIM 615369.
Seizure. Also called: Seizures. Identifiers: MedGen C0036572, HP:0001250.

Submissions (6):

Cytogénomique, Hospices Civils de Lyon
Classification: Pathogenic for Seizure. Last evaluated: 2025-02-07. Review status: criteria provided, single submitter. Criteria: ACMG Guidelines, 2015. Collection method: clinical testing. Allele origin: unknown. Affected: yes.

Labcorp Genetics (formerly Invitae), Labcorp
Classification: Pathogenic for Developmental and epileptic encephalopathy 94. Last evaluated: 2023-12-09. Review status: criteria provided, single submitter. Criteria: Invitae Variant Classification Sherloc (09022015). Collection method: clinical testing. Allele origin: germline.
Comment: This sequence change creates a premature translational stop signal (p.Arg1679*) in the CHD2 gene. It is expected to result in an absent or disrupted protein product. Loss-of-function variants in CHD2 are known to be pathogenic (PMID: 23708187, 24207121). This variant is not present in population databases (gnomAD no frequency). This premature translational stop signal has been observed in individual(s) with childhood-onset epileptic encephalopathy (PMID: 26795593, 28074849). In at least one individual the variant was observed to be de novo. ClinVar contains an entry for this variant (Variation ID: 208725). For these reasons, this variant has been classified as Pathogenic.

CeGaT Center for Human Genetics Tuebingen
Classification: Pathogenic. Last evaluated: 2023-04-01. Review status: criteria provided, single submitter. Criteria: CeGaT Center For Human Genetics Tuebingen Variant Classification Criteria Version 2. Collection method: clinical testing. Allele origin: germline. Affected: yes. Observed: 1 variant allele.
Comment: CHD2: PVS1, PM1, PM2, PS4:Moderate

GeneDx
Classification: Pathogenic. Last evaluated: 2019-04-11. Review status: criteria provided, single submitter. Criteria: GeneDx Variant Classification Process June 2021. Collection method: clinical testing. Allele origin: germline. Affected: yes.
Comment: Nonsense variant predicted to result in protein truncation or nonsense mediated decay in a gene for which loss-of-function is a known mechanism of disease; Not observed in large population cohorts (Lek et al., 2016); This variant is associated with the following publications: (PMID: 26795593, 27652284, 28074849, 25356970)

Institute of Human Genetics, University of Leipzig Medical Center
Classification: Pathogenic for Developmental and epileptic encephalopathy 94. Last evaluated: 2017-12-19. Review status: criteria provided, single submitter. Criteria: ACMG Guidelines, 2015. Collection method: clinical testing. Allele origin: germline. Affected: yes. Observed: 1 variant allele.

Ambry Genetics
Classification: Pathogenic for Inborn genetic diseases. Last evaluated: 2013-10-21. Review status: criteria provided, single submitter. Criteria: Ambry Autosomal Dominant and X-Linked criteria (10/2015). Collection method: clinical testing. Allele origin: germline. Observed: 1 variant allele.

Literature cited by the submitters: PubMed 23708187 (cited by Labcorp Genetics (formerly Invitae), Labcorp); PubMed 24207121 (cited by Labcorp Genetics (formerly Invitae), Labcorp); PubMed 26795593 (cited by Labcorp Genetics (formerly Invitae), Labcorp); PubMed 28074849 (cited by Labcorp Genetics (formerly Invitae), Labcorp).